The following is an entry in ClinVar:

NC_000023.10:g.(?_31496203)_(31645999_?)del

Gene: DMD (dystrophin; minus strand). Cytogenetic location: Xp21.2-21.1.
Variant type: Deletion.
Identifiers: ClinVar variation 2424927 (VCV002424927.5).

ClinVar aggregate classification (germline): Pathogenic (1 of 4 stars; one submission).

Conditions:
Duchenne muscular dystrophy (DMD). Also called: Duchenne Muscular Dystrophy (DMD); MUSCULAR DYSTROPHY, PSEUDOHYPERTROPHIC PROGRESSIVE, DUCHENNE TYPE. Identifiers: Orphanet 98896, MedGen C0013264, MONDO:0010679, OMIM 310200.

Submission:

Labcorp Genetics (formerly Invitae), Labcorp
Classification: Pathogenic for Duchenne muscular dystrophy. Last evaluated: 2022-07-05. Review status: criteria provided, single submitter. Criteria: Invitae Variant Classification Sherloc (09022015). Collection method: clinical testing. Allele origin: germline.
Comment: For these reasons, this variant has been classified as Pathogenic. A similar copy number variant has been observed in individual(s) with Duchenne muscular dystrophy (PMID: 19602481). This variant is a gross deletion of the genomic region encompassing exon(s) 55-59 of the DMD gene. This deletion is out-of-frame, and is expected to create a premature termination codon and result in an absent or disrupted protein product. Loss-of-function variants in DMD are known to be pathogenic (PMID: 16770791, 25007885).

Literature cited by the submitters: PubMed 19602481; PubMed 16770791; PubMed 25007885.